The following is an entry in ClinVar:

NM_152424.4(AMER1):c.992_996del (p.Ile331fs)

Gene: AMER1 (APC membrane recruitment protein 1; minus strand). Cytogenetic location: Xq11.2.
Variant type: Deletion.
Coding change: c.992_996del on transcript NM_152424.4 (MANE Select); coding-DNA positions 992 to 996, 5 bases deleted (TAATA; older notation c.992_996delTAATA).
Protein change: p.Ile331fs; shifts the reading frame from isoleucine 331.
Molecular consequence: frameshift variant.
Genome position (GRCh38, 1-based): chrX:64,192,291-64,192,295, TATTA deleted on the plus strand (TAATA on the coding strand, the reverse complement: AMER1 is on the minus strand); deleting any 5 consecutive bases within chrX:64,192,291-64,192,296 gives the same sequence; the c. name uses the placement nearest the transcript's 3' end. VCF-style (leftmost placement, unchanged base first): chrX-64192290-CTATTA-C. GRCh37 (hg19) VCF-style: chrX-63412170-CTATTA-C.
Other names: short protein forms I331fs.
Identifiers: ClinVar variation 4713301 (VCV004713301.1).

ClinVar aggregate classification (germline): Pathogenic (1 of 4 stars; one submission).

Submission:

Labcorp Genetics (formerly Invitae), Labcorp
Classification: Pathogenic. Last evaluated: 2025-02-17. Review status: criteria provided, single submitter. Criteria: Invitae Variant Classification Sherloc (09022015). Collection method: clinical testing. Allele origin: germline.
Comment: This sequence change creates a premature translational stop signal (p.Ile331Serfs*45) in the AMER1 gene. While this is not anticipated to result in nonsense mediated decay, it is expected to disrupt the last 805 amino acid(s) of the AMER1 protein. This variant is not present in population databases (gnomAD no frequency). This variant has not been reported in the literature in individuals affected with AMER1-related conditions. Algorithms developed to predict the effect of sequence changes on RNA splicing suggest that this variant may create or strengthen a splice site. This variant disrupts a region of the AMER1 protein in which other variant(s) (p.Arg358*) have been determined to be pathogenic (PMID: 19079258). This suggests that this is a clinically significant region of the protein, and that variants that disrupt it are likely to be disease-causing. For these reasons, this variant has been classified as Pathogenic.

Literature cited by the submitters: PubMed 19079258.